The following is an entry in ClinVar:

NM_012463.4(ATP6V0A2):c.*1693C>G

Gene: ATP6V0A2 (ATPase H+ transporting V0 subunit a2; plus strand). Cytogenetic location: 12q24.31.
Variant type: single nucleotide variant.
Coding change: c.*1693C>G on transcript NM_012463.4 (MANE Select); 1693 bases downstream of the stop codon, C replaced by G.
Molecular consequence: 3 prime UTR variant.
Genome position (GRCh38, 1-based): chr12:123,759,725, C>G. VCF-style: chr12-123759725-C-G. GRCh37 (hg19) VCF-style: chr12-124244272-C-G.
Identifiers: ClinVar variation 307618 (VCV000307618.6), dbSNP rs10846553, ClinGen allele CA10632213.

ClinVar aggregate classification (germline): Benign. Review status: criteria provided, multiple submitters, no conflicts (2 of 4 stars). 2 submissions from 2 submitters: Benign (2). Last evaluated 2018-01-13.

Conditions:
Cutis laxa with osteodystrophy (ARCL2A). Also called: Debré-Type Cutis Laxa; CUTIS LAXA WITH CONGENITAL DISORDER OF GLYCOSYLATION; CUTIS LAXA, AUTOSOMAL RECESSIVE, TYPE IIA; CUTIS LAXA WITH BONE DYSTROPHY; CUTIS LAXA WITH GROWTH AND DEVELOPMENTAL DELAY; CUTIS LAXA WITH JOINT LAXITY AND RETARDED DEVELOPMENT. Identifiers: Orphanet 357058, MedGen C0268355, MONDO:0018163, OMIM 219200. Disease mechanism: loss of function.

Allele frequency attached by ClinVar (database versions not stated): gnomAD exomes 0.50000; 1000 Genomes Project 0.79153; gnomAD 0.70431 and 0.70633; TOPMed 0.71787; 1000 Genomes Project 30x 0.79013.
gnomAD v4.1: 107,218 of 152,058 alleles (71%); highest among the groups gnomAD compares: East Asian, 95%; 38,452 homozygotes.

Submissions (2):

Illumina Laboratory Services, Illumina
Classification: Benign for Cutis laxa with osteodystrophy. Last evaluated: 2018-01-13. Review status: criteria provided, single submitter. Criteria: ICSL Variant Classification Criteria 13 December 2019. Collection method: clinical testing. Allele origin: germline.
Comment: This variant was observed in the ICSL laboratory as part of a predisposition screen in an ostensibly healthy population. It had not been previously curated by ICSL or reported in the Human Gene Mutation Database (HGMD: prior to June 1st, 2018), and was therefore a candidate for classification through an automated scoring system. Utilizing variant allele frequency, disease prevalence and penetrance estimates, and inheritance mode, an automated score was calculated to assess if this variant is too frequent to cause the disease. Based on the score and internal cut-off values, a variant classified as benign is not then subjected to further curation. The score for this variant resulted in a classification of benign for this disease.

Breakthrough Genomics
Classification: Benign. Review status: criteria provided, single submitter. Criteria: ACMG Guidelines, 2015. Collection method: not provided. Allele origin: germline. Inheritance: Autosomal recessive inheritance. Affected: yes.